The following is an entry in ClinVar:

NM_000552.5(VWF):c.1847C>T (p.Ser616Leu)

Gene: VWF (von Willebrand factor; minus strand). Cytogenetic location: 12p13.31.
Variant type: single nucleotide variant.
Coding change: c.1847C>T on transcript NM_000552.5 (MANE Select); coding-DNA position 1847, C replaced by T.
Protein change: p.Ser616Leu; replaces serine 616 with leucine.
Molecular consequence: missense variant.
Genome position (GRCh38, 1-based): chr12:6,056,955, G>A on the plus strand (C>T on the coding strand, the complement: VWF is on the minus strand). VCF-style: chr12-6056955-G-A. GRCh37 (hg19) VCF-style: chr12-6166121-G-A.
Other names: c.1847C>T (NM_000552.3); short protein forms S616L.
Identifiers: ClinVar variation 3251839 (VCV003251839.2), dbSNP rs1225435169.
Genomic context (GRCh38, chr12:6,056,955, plus strand): 5'-CTCCCCGCGCAGGCCGCGGCATAGCTGGCCAGGGCGCCGCACAGGCACTCGCGGCCGTCC[G>A]AGCAGGAGCACACGTCGTAGCGGCAGTTCCGCAGGTAGGGCAGCGGGCTGACGGCACGAT-3'
Protein context (NP_000543.3, residues 606-626): RNCRYDVCSC[Ser616Leu]DGRECLCGAL

ClinVar aggregate classification (germline): Uncertain significance. Review status: criteria provided, multiple submitters, no conflicts (2 of 4 stars). 2 submissions from 2 submitters: Uncertain significance (2). Last evaluated 2024-10-01.

Allele frequency attached by ClinVar (database versions not stated): gnomAD exomes below 0.00001; gnomAD 0.00001; TOPMed 0.00002.
gnomAD v4.1: 6 of 1,538,972 alleles (0.00039%); highest among the groups gnomAD compares: Admixed American, 0.0059%; no homozygotes.

Submissions (2):

GeneDx
Classification: Uncertain significance. Last evaluated: 2024-10-01. Review status: criteria provided, single submitter. Criteria: GeneDx Variant Classification Process June 2021. Collection method: clinical testing. Allele origin: germline. Affected: yes.
Comment: Reported in the published literature in one patient with von Willebrand disease (PMID: 28971901); In silico analysis supports that this missense variant has a deleterious effect on protein structure/function; This variant is associated with the following publications: (PMID: 28971901)

Women's Health and Genetics/Laboratory Corporation of America, LabCorp
Classification: Uncertain significance. Last evaluated: 2024-04-19. Review status: criteria provided, single submitter. Criteria: LabCorp Variant Classification Summary - May 2015. Collection method: clinical testing. Allele origin: germline.
Comment: Variant summary: VWF c.1847C>T (p.Ser616Leu) results in a non-conservative amino acid change located in the VWF/SSPO/Zonadhesin-like, cysteine-rich domain of the encoded protein sequence. Five of five in-silico tools predict a damaging effect of the variant on protein function. The variant allele was found at a frequency of 2.2e-05 in 136134 control chromosomes. The available data on variant occurrences in the general population are insufficient to allow any conclusion about variant significance. c.1847C>T has been reported in the literature in an individual affected with Von Willebrand Disease (Borras_2017). These report(s) do not provide unequivocal conclusions about association of the variant with Von Willebrand Disease. To our knowledge, no experimental evidence demonstrating an impact on protein function has been reported. No submitters have cited clinical-significance assessments for this variant to ClinVar. Based on the evidence outlined above, the variant was classified as uncertain significance.

Literature cited by the submitters: PubMed 28971901 (cited by Women's Health and Genetics/Laboratory Corporation of America, LabCorp).